The following is an entry in ClinVar:

NM_002067.5(GNA11):c.40G>A (p.Glu14Lys)

Gene: GNA11 (G protein subunit alpha 11; plus strand). Cytogenetic location: 19p13.3.
Variant type: single nucleotide variant.
Coding change: c.40G>A on transcript NM_002067.5 (MANE Select); coding-DNA position 40, G replaced by A.
Protein change: p.Glu14Lys; replaces glutamic acid 14 with lysine.
Molecular consequence: missense variant.
Genome position (GRCh38, 1-based): chr19:3,094,691, G>A. VCF-style: chr19-3094691-G-A. GRCh37 (hg19) VCF-style: chr19-3094689-G-A.
Other names: short protein forms E14K.
Identifiers: ClinVar variation 2905132 (VCV002905132.3), dbSNP rs1913318065, ClinGen allele CA403299383.
Genomic context (GRCh38, chr19:3,094,691, plus strand): 5'-GCGTCGGCCGGGGCCGGGACGATGACTCTGGAGTCCATGATGGCGTGTTGCCTGAGCGAT[G>A]AGGTGAAGGAGTCCAAGCGGATCAACGCCGAGATCGAGAAGCAGCTGCGGCGGGACAAGC-3'
Protein context (NP_002058.2, residues 4-24): ESMMACCLSD[Glu14Lys]VKESKRINAE

ClinVar aggregate classification (germline): Uncertain significance (1 of 4 stars; one submission).

Allele frequency attached by ClinVar (database versions not stated): gnomAD exomes below 0.00001.
gnomAD v4.1: 1 of 1,573,850 alleles (0.000064%); highest among the groups gnomAD compares: East Asian, 0.0025%; no homozygotes.

Submission:

Labcorp Genetics (formerly Invitae), Labcorp
Classification: Uncertain significance. Last evaluated: 2023-12-01. Review status: criteria provided, single submitter. Criteria: Invitae Variant Classification Sherloc (09022015). Collection method: clinical testing. Allele origin: germline.
Comment: This sequence change replaces glutamic acid, which is acidic and polar, with lysine, which is basic and polar, at codon 14 of the GNA11 protein (p.Glu14Lys). This variant is not present in population databases (gnomAD no frequency). This variant has not been reported in the literature in individuals affected with GNA11-related conditions. An algorithm developed to predict the effect of missense changes on protein structure and function (PolyPhen-2) suggests that this variant is likely to be disruptive. In summary, the available evidence is currently insufficient to determine the role of this variant in disease. Therefore, it has been classified as a Variant of Uncertain Significance.